The following is an entry in ClinVar:

NM_031407.7(HUWE1):c.5970G>C (p.Gln1990His)

Gene: HUWE1 (HECT, UBA and WWE domain containing E3 ubiquitin protein ligase 1; minus strand). Cytogenetic location: Xp11.22.
Variant type: single nucleotide variant.
Coding change: c.5970G>C on transcript NM_031407.7 (MANE Select); coding-DNA position 5970, G replaced by C.
Protein change: p.Gln1990His; replaces glutamine 1990 with histidine.
Molecular consequence: missense variant.
Genome position (GRCh38, 1-based): chrX:53,575,703, C>G on the plus strand (G>C on the coding strand, the complement: HUWE1 is on the minus strand). VCF-style: chrX-53575703-C-G. GRCh37 (hg19) VCF-style: chrX-53602663-C-G.
Other names: c.5970G>C (NM_031407.4); short protein forms Q1990H.
Identifiers: ClinVar variation 2864445 (VCV002864445.4), dbSNP rs1556958062, ClinGen allele CA413170896.

ClinVar aggregate classification (germline): Uncertain significance. Review status: criteria provided, multiple submitters, no conflicts (2 of 4 stars). 2 submissions from 2 submitters: Uncertain significance (2). Last evaluated 2024-10-24.

Submissions (2):

Labcorp Genetics (formerly Invitae), Labcorp
Classification: Uncertain significance. Last evaluated: 2024-10-24. Review status: criteria provided, single submitter. Criteria: Invitae Variant Classification Sherloc (09022015). Collection method: clinical testing. Allele origin: germline.
Comment: This sequence change replaces glutamine, which is neutral and polar, with histidine, which is basic and polar, at codon 1990 of the HUWE1 protein (p.Gln1990His). This variant is not present in population databases (gnomAD no frequency). This variant has not been reported in the literature in individuals affected with HUWE1-related conditions. Invitae Evidence Modeling of protein sequence and biophysical properties (such as structural, functional, and spatial information, amino acid conservation, physicochemical variation, residue mobility, and thermodynamic stability) indicates that this missense variant is not expected to disrupt HUWE1 protein function with a negative predictive value of 95%. In summary, the available evidence is currently insufficient to determine the role of this variant in disease. Therefore, it has been classified as a Variant of Uncertain Significance.

GeneDx
Classification: Uncertain significance. Last evaluated: 2023-12-15. Review status: criteria provided, single submitter. Criteria: GeneDx Variant Classification Process June 2021. Collection method: clinical testing. Allele origin: germline. Affected: yes.
Comment: Not observed at significant frequency in large population cohorts (gnomAD); In silico analysis supports that this missense variant does not alter protein structure/function; Has not been previously published as pathogenic or benign to our knowledge